The following is an entry in ClinVar:

NM_022552.5(DNMT3A):c.640-3826_640-3798del

Genes: DNMT3A (DNA methyltransferase 3 alpha; minus strand), LOC129933288 (ATAC-STARR-seq lymphoblastoid silent region 11249; plus strand). Cytogenetic location: 2p23.3.
Variant type: Deletion.
Coding change: c.640-3826_640-3798del on transcript NM_022552.5 (MANE Select); 3826 bases into the intron before coding-DNA position 640 through 3798 bases into the intron before coding-DNA position 640, 29 bases deleted (CAGCAGCCGCGGCGTCCCGGCCTGGCCCG).
Molecular consequence: intron variant. On other transcripts: frameshift variant (1).
Genome position (GRCh38, 1-based): chr2:25,252,050-25,252,078, CGGGCCAGGCCGGGACGCCGCGGCTGCTG deleted on the plus strand (CAGCAGCCGCGGCGTCCCGGCCTGGCCCG on the coding strand, the reverse complement: DNMT3A is on the minus strand); deleting any 29 consecutive bases within chr2:25,252,050-25,252,084 gives the same sequence; the c. name uses the placement nearest the transcript's 3' end. VCF-style (leftmost placement, unchanged base first): chr2-25252049-TCGGGCCAGGCCGGGACGCCGCGGCTGCTG-T. GRCh37 (hg19) VCF-style: chr2-25474918-TCGGGCCAGGCCGGGACGCCGCGGCTGCTG-T.
Other names: c.17_45del, p.Ala6fs (NM_001320893.1); c.640-3826_640-3798del (NM_175629.2); c.4+116_4+144del (NM_153759.3); c.-31+116_-31+144del (NM_001375819.1); c.17_45del29 (NM_001320893.1); short protein forms A6fs.
Identifiers: ClinVar variation 1805742 (VCV001805742.2), dbSNP rs1675628197, ClinGen allele CA1139532800.

ClinVar aggregate classification (germline): Uncertain significance. Review status: criteria provided, multiple submitters, no conflicts (2 of 4 stars). 2 submissions from 2 submitters: Uncertain significance (2). Last evaluated 2024-11-20.

Conditions:
DNMT3A-related disorder. Also called: DNMT3A-related disorders; DNMT3A-related condition.
Tatton-Brown-Rahman overgrowth syndrome. Also called: Tall stature-intellectual disability-facial dysmorphism syndrome; Tatton-Brown-Rahman syndrome. Identifiers: Orphanet 404443, MedGen C4014545, MONDO:0014382, OMIM 615879.

Submissions (2):

PreventionGenetics, part of Exact Sciences
Classification: Uncertain significance for DNMT3A-related condition. Last evaluated: 2024-11-20. Review status: criteria provided, single submitter. Criteria: ACMG Guidelines, 2015. Collection method: clinical testing. Allele origin: germline.
Comment: The DNMT3A c.17_45del29 variant is predicted to result in a frameshift and premature protein termination (p.Ala6Glufs*6). This variant is referred to as c.640-3826_640-3798del29 (Intronic) with an alternate transcript NM_175629. To our knowledge, this variant has not been reported in the literature or in a large population database (gnomAD), indicating this variant is rare. At this time, the clinical significance of this variant is uncertain due to the absence of conclusive functional and genetic evidence.

Victorian Clinical Genetics Services, Murdoch Childrens Research Institute
Classification: Uncertain significance for Tatton-Brown-Rahman overgrowth syndrome. Last evaluated: 2020-10-15. Review status: criteria provided, single submitter. Criteria: ACMG Guidelines, 2015. Collection method: clinical testing. Allele origin: germline. Inheritance: Autosomal dominant inheritance.
Comment: Based on the classification scheme VCGS_Germline_v1.3.3, this variant is classified as VUS-3B. Following criteria are met: 0103 - Loss-of function and gain of function are known mechanisms of disease in this gene and are associated with Heyn-Sproul-Jackson syndrome (HSJS) (MIM#618724) and Tatton-Brown-Rahman syndrome (TBRS) (MIM#615879). Variants expected to undergo nonsense-mediated decay and loss of function missense variants have been reported to cause TBRS, while gain of function missense cause HSJS (PMID: 30478443). (I) 0107 - This gene is associated with autosomal dominant disease. (I) 0202 - Variant is predicted to cause nonsense-mediated decay (NMD) and loss of protein (premature termination codon is located at least 54 nucleotides upstream of the final exon-exon junction) however, it is located in an exon that may undergo alternative splicing. (I) 0219 - This variant is non-coding in an alternative transcript. This variant is protein coding in a single transcript, that is neither predominantly utilised (ClinVar), nor highly expressed (GTex). (I) 0251 - This variant is heterozygous. (I) 0301 - Variant is absent from gnomAD (v2 and v3). However, this region has low coverage in gnomAD v2. (SP) 0701 - Other NMD-predicted variants have very strong previous evidence for pathogenicity, and have been reported in patients with TBRS. However, none of these variants are found exclusively within this transcript (Decipher, ClinVar). (I) 0807 - This variant has no previous evidence of pathogenicity. (I) 0905 - No published segregation evidence has been identified for this variant. (I) 1007 - No published functional evidence has been identified for this variant. (I) 1208 - Inheritance information for this variant is not currently available in this individual. (I) Legend: (SP) - Supporting pathogenic, (I) - Information, (SB) - Supporting benign

Literature cited by the submitters: PubMed 30478443 (cited by Victorian Clinical Genetics Services, Murdoch Childrens Research Institute).